The following is an entry in ClinVar:

ClinVar aggregate classification (germline): Uncertain significance (1 of 4 stars; one submission).

Conditions:
Primary dilated cardiomyopathy (DCM). Also called: Dilated Cardiomyopathy. Identifiers: Orphanet 217604, MedGen C0007193, MeSH D002311, MONDO:0005021, HP:0001644. Inheritance: Various modes of inheritance.
Hypertrophic cardiomyopathy. Also called: HYPERTROPHIC MYOCARDIOPATHY. Identifiers: Orphanet 217569, MedGen C0007194, MeSH D002312, MONDO:0005045, HP:0001639.

Allele frequency attached by ClinVar (database versions not stated): gnomAD exomes below 0.00001.
gnomAD v4.1: 1 of 1,613,888 alleles (0.000062%); highest among the groups gnomAD compares: Non-Finnish European, 0.000085%; no homozygotes.

Submission:

Labcorp Genetics (formerly Invitae), Labcorp
Classification: Uncertain significance for Hypertrophic cardiomyopathy; Primary dilated cardiomyopathy. Last evaluated: 2022-11-08. Review status: criteria provided, single submitter. Criteria: Invitae Variant Classification Sherloc (09022015). Collection method: clinical testing. Allele origin: germline.
Comment: This sequence change replaces serine, which is neutral and polar, with isoleucine, which is neutral and non-polar, at codon 221 of the PDLIM3 protein (p.Ser221Ile). This variant also falls at the last nucleotide of exon 5, which is part of the consensus splice site for this exon. In summary, the available evidence is currently insufficient to determine the role of this variant in disease. Therefore, it has been classified as a Variant of Uncertain Significance. Variants that disrupt the consensus splice site are a relatively common cause of aberrant splicing (PMID: 17576681, 9536098). Algorithms developed to predict the effect of sequence changes on RNA splicing suggest that this variant may disrupt the consensus splice site. Algorithms developed to predict the effect of missense changes on protein structure and function (SIFT, PolyPhen-2, Align-GVGD) all suggest that this variant is likely to be disruptive. This variant has not been reported in the literature in individuals affected with PDLIM3-related conditions. This variant is not present in population databases (gnomAD no frequency).

Literature cited by the submitters: PubMed 17576681; PubMed 9536098.

NM_014476.6(PDLIM3):c.662G>T (p.Ser221Ile)

Gene: PDLIM3 (PDZ and LIM domain 3; minus strand). Cytogenetic location: 4q35.1.
Variant type: single nucleotide variant.
Coding change: c.662G>T on transcript NM_014476.6 (MANE Select); coding-DNA position 662, G replaced by T.
Protein change: p.Ser221Ile; replaces serine 221 with isoleucine.
Molecular consequence: missense variant. On other transcripts: intron variant (3).
Genome position (GRCh38, 1-based): chr4:185,508,299, C>A on the plus strand (G>T on the coding strand, the complement: PDLIM3 is on the minus strand). VCF-style: chr4-185508299-C-A. GRCh37 (hg19) VCF-style: chr4-186429453-C-A.
Other names: c.162-1647G>T (NM_001257963.2); c.399-1647G>T (NM_001257962.2); c.519-1647G>T (NM_001114107.5); short protein forms S221I.
Identifiers: ClinVar variation 2174049 (VCV002174049.4), dbSNP rs2478341006, ClinGen allele CA358923456.